The following is an entry in ClinVar:

ClinVar aggregate classification (germline): Pathogenic (1 of 4 stars; one submission).

Submission:

Labcorp Genetics (formerly Invitae), Labcorp
Classification: Pathogenic. Last evaluated: 2023-09-09. Review status: criteria provided, single submitter. Criteria: Invitae Variant Classification Sherloc (09022015). Collection method: clinical testing. Allele origin: germline.
Comment: This missense change has been observed in individual(s) with autosomal dominant progressive external ophthalmoplegia with mitochondrial DNA deletions (PMID: 18575922). It has also been observed to segregate with disease in related individuals. Advanced modeling of protein sequence and biophysical properties (such as structural, functional, and spatial information, amino acid conservation, physicochemical variation, residue mobility, and thermodynamic stability) performed at Invitae indicates that this missense variant is expected to disrupt TWNK protein function. This variant disrupts the p.Arg334 amino acid residue in TWNK. Other variant(s) that disrupt this residue have been determined to be pathogenic (PMID: 12707443, 18575922, 18973250, 19084593, 20659899, 24086434, 30496414). This suggests that this residue is clinically significant, and that variants that disrupt this residue are likely to be disease-causing. For these reasons, this variant has been classified as Pathogenic. This sequence change replaces arginine, which is basic and polar, with proline, which is neutral and non-polar, at codon 334 of the TWNK protein (p.Arg334Pro). This variant is not present in population databases (gnomAD no frequency).

Literature cited by the submitters: PubMed 18575922; PubMed 12707443; PubMed 18973250; PubMed 19084593; PubMed 20659899; PubMed 24086434; PubMed 30496414.

NM_021830.5(TWNK):c.1001G>C (p.Arg334Pro)

Gene: TWNK (twinkle mtDNA helicase; plus strand). Cytogenetic location: 10q24.31.
Variant type: single nucleotide variant.
Coding change: c.1001G>C on transcript NM_021830.5 (MANE Select); coding-DNA position 1001, G replaced by C.
Protein change: p.Arg334Pro; replaces arginine 334 with proline.
Molecular consequence: missense variant. On other transcripts: non-coding transcript variant (4), intron variant (3).
Genome position (GRCh38, 1-based): chr10:100,989,211, G>C. VCF-style: chr10-100989211-G-C. GRCh37 (hg19) VCF-style: chr10-102748968-G-C.
Other names: c.1001G>C, p.Arg334Pro (NM_001163812.2); c.-119-433G>C (NM_001163814.2, NM_001163813.2); c.-57-495G>C (NM_001368275.1); short protein forms R334P.
Identifiers: ClinVar variation 2735473 (VCV002735473.3), dbSNP rs28937887, ClinGen allele CA378209643.